The following is an entry in ClinVar:

NM_001032283.3(TMPO):c.108G>T (p.Val36=)

Genes: TMPO (thymopoietin; plus strand), TMPO-AS1 (TMPO antisense RNA 1; minus strand). Cytogenetic location: 12q23.1.
Variant type: single nucleotide variant.
Coding change: c.108G>T on transcript NM_001032283.3 (MANE Select); coding-DNA position 108, G replaced by T.
Protein change: p.Val36=; no amino-acid change (valine 36 retained).
Molecular consequence: synonymous variant.
Genome position (GRCh38, 1-based): chr12:98,515,975, G>T. VCF-style: chr12-98515975-G-T. GRCh37 (hg19) VCF-style: chr12-98909753-G-T.
Other names: c.108G>T, p.Val36= (NM_001032284.3, NM_001307975.2, NM_003276.2).
Identifiers: ClinVar variation 508173 (VCV000508173.14), dbSNP rs532884813, ClinGen allele CA6732104.

ClinVar aggregate classification (germline): Benign/Likely benign. Review status: criteria provided, multiple submitters, no conflicts (2 of 4 stars). 3 submissions from 3 submitters: Benign (1); Likely benign (2). Last evaluated 2025-02-27.

Conditions:
Loeys-Dietz syndrome 2 (LDS2). Also called: Marfan Syndrome type 2; Marfan like connective tissue disorder; MFS 2; Marfan syndrome, type 2 (formerly); AORTIC ANEURYSM, FAMILIAL THORACIC 3; MARFAN SYNDROME, TYPE II. Identifiers: Orphanet 284973, Orphanet 558, MedGen C2674574, MONDO:0012427, OMIM 610168.

Allele frequency attached by ClinVar (database versions not stated): gnomAD 0.00001 and 0.00004; 1000 Genomes Project 30x 0.00016; 1000 Genomes Project 0.00020; gnomAD exomes 0.00028; ExAC 0.00033.

Submissions (3):

Labcorp Genetics (formerly Invitae), Labcorp
Classification: Benign for Loeys-Dietz syndrome 2. Last evaluated: 2025-02-27. Review status: criteria provided, single submitter. Criteria: Invitae Variant Classification Sherloc (09022015). Collection method: clinical testing. Allele origin: germline.

Ambry Genetics
Classification: Likely benign. Last evaluated: 2020-03-13. Review status: criteria provided, single submitter. Criteria: Ambry Variant Classification Scheme 2023. Collection method: clinical testing. Allele origin: germline.

GeneDx
Classification: Likely benign. Last evaluated: 2017-03-14. Review status: criteria provided, single submitter. Criteria: GeneDx Variant Classification (06012015). Collection method: clinical testing. Allele origin: germline. Affected: yes.
Comment: This variant is considered likely benign or benign based on one or more of the following criteria: it is a conservative change, it occurs at a poorly conserved position in the protein, it is predicted to be benign by multiple in silico algorithms, and/or has population frequency not consistent with disease.